The following is an entry in ClinVar:

NM_032119.4(ADGRV1):c.18094T>C (p.Leu6032=)

Gene: ADGRV1 (adhesion G protein-coupled receptor V1; plus strand). Cytogenetic location: 5q14.3.
Variant type: single nucleotide variant.
Coding change: c.18094T>C on transcript NM_032119.4 (MANE Select); coding-DNA position 18094, T replaced by C.
Protein change: p.Leu6032=; no amino-acid change (leucine 6032 retained).
Molecular consequence: synonymous variant. On other transcripts: non-coding transcript variant (1).
Genome position (GRCh38, 1-based): chr5:90,985,464, T>C. VCF-style: chr5-90985464-T-C. GRCh37 (hg19) VCF-style: chr5-90281281-T-C.
Identifiers: ClinVar variation 736756 (VCV000736756.17), dbSNP rs766197164, ClinGen allele CA3342556.

ClinVar aggregate classification (germline): Conflicting classifications of pathogenicity. Review status: criteria provided, conflicting classifications (1 of 4 stars). 4 submissions from 4 submitters: Uncertain significance (1); Likely benign (3). Last evaluated 2026-01-26.

Conditions:
Usher syndrome type 2C. Also called: Usher syndrome, type 2B; USHER SYNDROME, TYPE IIC. Identifiers: Orphanet 231178, Orphanet 886, MedGen C2931213, MONDO:0011558, OMIM 605472.

Allele frequency attached by ClinVar (database versions not stated): gnomAD 0.00001; ExAC 0.00002; gnomAD exomes 0.00002 and 0.00004; TOPMed 0.00003.
gnomAD v4.1: 13 of 1,613,756 alleles (0.00081%); highest among the groups gnomAD compares: Admixed American, 0.022%; no homozygotes.

Submissions (4):

Labcorp Genetics (formerly Invitae), Labcorp
Classification: Likely benign. Last evaluated: 2026-01-26. Review status: criteria provided, single submitter. Criteria: Invitae Variant Classification Sherloc (09022015). Collection method: clinical testing. Allele origin: germline.

Blueprint Genetics
Classification: Likely benign. Last evaluated: 2024-03-15. Review status: criteria provided, single submitter. Criteria: ACMG Guidelines, 2015. Collection method: clinical testing. Allele origin: germline.

Laboratory for Molecular Medicine, Mass General Brigham Personalized Medicine
Classification: Likely benign. Last evaluated: 2021-01-14. Review status: criteria provided, single submitter. Criteria: LMM Criteria. Collection method: clinical testing. Allele origin: germline. Observed: 1 variant allele.
Comment: proposed classification - variant undergoing re-assessment, contact laboratory

Illumina Laboratory Services, Illumina
Classification: Uncertain significance for Usher syndrome type 2C. Last evaluated: 2018-01-13. Review status: criteria provided, single submitter. Criteria: ICSL Variant Classification Criteria 13 December 2019. Collection method: clinical testing. Allele origin: germline.